The following is an entry in ClinVar:

NM_001040108.1(MLH3):c.-204G>A

Gene: MLH3 (mutL homolog 3; minus strand). Cytogenetic location: 14q24.3.
Variant type: single nucleotide variant.
Coding change: c.-204G>A on transcript NM_001040108.1; 204 bases upstream of the start codon, G replaced by A.
Genome position (GRCh38, 1-based): chr14:75,051,520, C>T on the plus strand (G>A on the coding strand, the complement: MLH3 is on the minus strand). VCF-style: chr14-75051520-C-T. GRCh37 (hg19) VCF-style: chr14-75518223-C-T.
Identifiers: ClinVar variation 314401 (VCV000314401.10), dbSNP rs116839793, ClinGen allele CA10635348.
Genomic context (GRCh38, chr14:75,051,520, plus strand): 5'-GTGCCCACGAGCATGCGCTTCGGAGGGGGCGCGCCAGGCCGCGAGACACCAGTGCGCATG[C>T]GCACCAGTTGTTCCAGCCAAGGATCCGCATCCCAGGGTTCAGTGAACCGGTACCTACAGT-3'

ClinVar aggregate classification (germline): Benign/Likely benign. Review status: criteria provided, multiple submitters, no conflicts (2 of 4 stars). 3 submissions from 3 submitters: Benign (1); Likely benign (2). Last evaluated 2018-06-23.

Conditions:
Colorectal cancer, hereditary nonpolyposis, type 7. Identifiers: Orphanet 144, MedGen C1858380, MONDO:0013725, OMIM 614385.

Allele frequency attached by ClinVar (database versions not stated): 1000 Genomes Project 30x 0.02608; gnomAD 0.01976; TOPMed 0.02161; 1000 Genomes Project 0.02616.

Submissions (3):

GeneDx
Classification: Benign. Last evaluated: 2018-06-23. Review status: criteria provided, single submitter. Criteria: GeneDx Variant Classification Process June 2021. Collection method: clinical testing. Allele origin: germline. Affected: yes.

Illumina Laboratory Services, Illumina
Classification: Likely benign for Colorectal cancer, hereditary nonpolyposis, type 7. Last evaluated: 2018-01-12. Review status: criteria provided, single submitter. Criteria: ICSL Variant Classification Criteria 13 December 2019. Collection method: clinical testing. Allele origin: germline.
Comment: This variant was observed in the ICSL laboratory as part of a predisposition screen in an ostensibly healthy population. It had not been previously curated by ICSL or reported in the Human Gene Mutation Database (HGMD: prior to June 1st, 2018), and was therefore a candidate for classification through an automated scoring system. Utilizing variant allele frequency, disease prevalence and penetrance estimates, and inheritance mode, an automated score was calculated to assess if this variant is too frequent to cause the disease. Based on the score and internal cut-off values, a variant classified as likely benign is not then subjected to further curation. The score for this variant resulted in a classification of likely benign for this disease.

Breakthrough Genomics
Classification: Likely benign. Review status: criteria provided, single submitter. Criteria: ACMG Guidelines, 2015. Collection method: not provided. Allele origin: germline. Inheritance: Autosomal dominant inheritance. Affected: yes.